The following is an entry in ClinVar:

NM_001267550.2(TTN):c.103540G>T (p.Val34514Leu)

Genes: TTN-AS1 (TTN antisense RNA 1; plus strand), TTN (titin; minus strand). Cytogenetic location: 2q31.2.
Variant type: single nucleotide variant.
Coding change: c.103540G>T on transcript NM_001267550.2 (MANE Select); coding-DNA position 103540, G replaced by T.
Protein change: p.Val34514Leu; replaces valine 34514 with leucine.
Molecular consequence: missense variant.
Genome position (GRCh38, 1-based): chr2:178,533,075, C>A on the plus strand (G>T on the coding strand, the complement: TTN is on the minus strand). VCF-style: chr2-178533075-C-A. GRCh37 (hg19) VCF-style: chr2-179397802-C-A.
Other names: c.98617G>T, p.Val32873Leu (NM_001256850.1); c.76345G>T, p.Val25449Leu (NM_003319.4); c.95836G>T, p.Val31946Leu (NM_133378.4); c.76720G>T, p.Val25574Leu (NM_133432.3); c.76921G>T, p.Val25641Leu (NM_133437.4); short protein forms V34514L, V25641L, V32873L, V25449L, V25574L, V31946L.
Identifiers: ClinVar variation 466714 (VCV000466714.6), dbSNP rs769311670, ClinGen allele CA349414059.

ClinVar aggregate classification (germline): Uncertain significance (1 of 4 stars; one submission).

Conditions:
Autosomal recessive limb-girdle muscular dystrophy type 2J (LGMDR10). Also called: Limb-girdle muscular dystrophy, type 2J; MUSCULAR DYSTROPHY, LIMB-GIRDLE, AUTOSOMAL RECESSIVE 10. Identifiers: Orphanet 140922, MedGen C1837342, MONDO:0012127, OMIM 608807.
Dilated cardiomyopathy 1G (CMD1G). Identifiers: Orphanet 154, MedGen C1858763, MONDO:0011400, OMIM 604145.

gnomAD v4.1: 2 of 1,613,962 alleles (0.00012%); highest among the groups gnomAD compares: Non-Finnish European, 0.00017%; no homozygotes.

Submission:

Labcorp Genetics (formerly Invitae), Labcorp
Classification: Uncertain significance for Dilated cardiomyopathy 1G; Autosomal recessive limb-girdle muscular dystrophy type 2J. Last evaluated: 2017-08-28. Review status: criteria provided, single submitter. Criteria: Invitae Variant Classification Sherloc (09022015). Collection method: clinical testing. Allele origin: germline.
Comment: This sequence change replaces valine with leucine at codon 34514 ¬¨‚Ä†in the M-band of the TTN protein (p.Val34514Leu). The valine residue is moderately conserved and there is a small physicochemical difference between valine and leucine. This variant is not present in population databases (ExAC no frequency) and has not been reported in the literature in individuals with a TTN-related disease. Algorithms developed to predict the effect of missense changes on protein structure and function are unavailable for the TTN gene. In summary, this variant is a novel missense change with unknown impact on protein function. Missense variants in the M-band of the TTN gene are typically not causative for cardiac disease, but may be relevant for neuromuscular disorders. However, the available evidence is currently insufficient to determine this variant‚Äö√Ñ√¥s role in disease. Therefore, it has been classified as a Variant of Uncertain Significance.